The following is an entry in ClinVar:

ClinVar aggregate classification (germline): Benign/Likely benign. Review status: criteria provided, multiple submitters, no conflicts (2 of 4 stars). 4 submissions from 4 submitters: Benign (2); Likely benign (2). Last evaluated 2025-12-31.

Conditions:
Inborn genetic diseases. Identifiers: MedGen C0950123, MeSH D030342.
Methylcobalamin deficiency type cblG (HMAG). Also called: HOMOCYSTINURIA-MEGALOBLASTIC ANEMIA, cblG TYPE; HOMOCYSTINURIA-MEGALOBLASTIC ANEMIA DUE TO DEFECT IN COBALAMIN METABOLISM, cblG COMPLEMENTATION TYPE; HOMOCYSTINURIA-MEGALOBLASTIC ANEMIA, cblG COMPLEMENTATION TYPE; Functional methionine synthase deficiency type cblG. Identifiers: Orphanet 2170, Orphanet 622, MedGen C1855128, MONDO:0009609, OMIM 250940.
Disorders of Intracellular Cobalamin Metabolism. Identifiers: MedGen CN043592.

Allele frequency attached by ClinVar (database versions not stated): ESP Exome Variant Server 0.00023; gnomAD 0.00026 and 0.00032; gnomAD exomes 0.00026 and 0.00065; TOPMed 0.00034; ExAC 0.00082; 1000 Genomes Project 30x 0.00109; 1000 Genomes Project 0.00140.
gnomAD v4.1: 424 of 1,575,392 alleles (0.027%); highest among the groups gnomAD compares: East Asian, 0.9%; 5 homozygotes.

Submissions (4):

Labcorp Genetics (formerly Invitae), Labcorp
Classification: Benign for Methylcobalamin deficiency type cblG. Last evaluated: 2025-12-31. Review status: criteria provided, single submitter. Criteria: Invitae Variant Classification Sherloc (09022015). Collection method: clinical testing. Allele origin: germline.

Ambry Genetics
Classification: Likely benign for Inborn genetic diseases. Last evaluated: 2025-11-03. Review status: criteria provided, single submitter. Criteria: Ambry Variant Classification Scheme 2023. Collection method: clinical testing. Allele origin: germline.

Illumina Laboratory Services, Illumina
Classification: Benign for Disorders of Intracellular Cobalamin Metabolism. Last evaluated: 2018-01-12. Review status: criteria provided, single submitter. Criteria: ICSL Variant Classification Criteria 13 December 2019. Collection method: clinical testing. Allele origin: germline.
Comment: This variant was observed in the ICSL laboratory as part of a predisposition screen in an ostensibly healthy population. It had not been previously curated by ICSL or reported in the Human Gene Mutation Database (HGMD: prior to June 1st, 2018), and was therefore a candidate for classification through an automated scoring system. Utilizing variant allele frequency, disease prevalence and penetrance estimates, and inheritance mode, an automated score was calculated to assess if this variant is too frequent to cause the disease. Based on the score and internal cut-off values, a variant classified as benign is not then subjected to further curation. The score for this variant resulted in a classification of benign for this disease.

GeneDx
Classification: Likely benign. Last evaluated: 2017-06-23. Review status: criteria provided, single submitter. Criteria: GeneDx Variant Classification (06012015). Collection method: clinical testing. Allele origin: germline. Affected: yes.
Comment: This variant is considered likely benign or benign based on one or more of the following criteria: it is a conservative change, it occurs at a poorly conserved position in the protein, it is predicted to be benign by multiple in silico algorithms, and/or has population frequency not consistent with disease.

NM_000254.3(MTR):c.3583A>G (p.Ile1195Val)

Gene: MTR (5-methyltetrahydrofolate-homocysteine methyltransferase; plus strand). Cytogenetic location: 1q43.
Variant type: single nucleotide variant.
Coding change: c.3583A>G on transcript NM_000254.3 (MANE Select); coding-DNA position 3583, A replaced by G.
Protein change: p.Ile1195Val; replaces isoleucine 1195 with valine.
Molecular consequence: missense variant.
Genome position (GRCh38, 1-based): chr1:236,895,535, A>G. VCF-style: chr1-236895535-A-G. GRCh37 (hg19) VCF-style: chr1-237058835-A-G.
Other names: c.3430A>G, p.Ile1144Val (NM_001291939.1); c.2362A>G, p.Ile788Val (NM_001291940.2); short protein forms I1195V, I788V, I1144V.
Identifiers: ClinVar variation 296581 (VCV000296581.13), dbSNP rs149476106, ClinGen allele CA1474734.
Genomic context (GRCh38, chr1:236,895,535, plus strand): 5'-CCTGGCTACCCCAGCCAGCCCGACCACACCGAGAAGCTCACCATGTGGAGACTCGCAGAC[A>G]TCGAGCAGTCTACAGGTAGGAGCCAGGAGGCTGCGGGTTCCTGTCTTCCTTCTTCAGTAG-3'
Protein context (NP_000245.2, residues 1185-1205): EKLTMWRLAD[Ile1195Val]EQSTGIRLTE